The following is an entry in ClinVar:

ClinVar aggregate classification (germline): Uncertain significance. Review status: criteria provided, multiple submitters, no conflicts (2 of 4 stars). 5 submissions from 5 submitters: Uncertain significance (5). Last evaluated 2025-02-04.

Conditions:
Hereditary cancer-predisposing syndrome. Also called: Hereditary neoplastic syndrome; Neoplastic Syndromes, Hereditary; Tumor predisposition; Hereditary Cancer Syndrome. Identifiers: Orphanet 140162, MedGen C0027672, MeSH D009386, MONDO:0015356.
Hereditary nonpolyposis colorectal neoplasms. Identifiers: MedGen C0009405, MeSH D003123.
Lynch syndrome 4 (LYNCH4). Also called: Colorectal cancer, hereditary nonpolyposis, type 4; Hereditary non-polyposis colorectal cancer, type 4. Identifiers: Orphanet 144, MedGen C1838333, MONDO:0013699, OMIM 614337. Disease mechanism: loss of function.

Allele frequency attached by ClinVar (database versions not stated): gnomAD exomes below 0.00001; ExAC 0.00002.
gnomAD v4.1: 2 of 1,594,858 alleles (0.00013%); highest among the groups gnomAD compares: Admixed American, 0.0017%; no homozygotes.

Submissions (5):

Labcorp Genetics (formerly Invitae), Labcorp
Classification: Uncertain significance for Hereditary nonpolyposis colorectal neoplasms. Last evaluated: 2025-02-04. Review status: criteria provided, single submitter. Criteria: Invitae Variant Classification Sherloc (09022015). Collection method: clinical testing. Allele origin: germline.
Comment: This sequence change replaces valine, which is neutral and non-polar, with phenylalanine, which is neutral and non-polar, at codon 309 of the PMS2 protein (p.Val309Phe). This variant is present in population databases (rs763718441, gnomAD 0.003%). This variant has not been reported in the literature in individuals affected with PMS2-related conditions. ClinVar contains an entry for this variant (Variation ID: 1320827). Invitae Evidence Modeling incorporating data from in vitro experimental studies (internal data) indicates that this missense variant is not expected to disrupt PMS2 function with a negative predictive value of 95%. In summary, the available evidence is currently insufficient to determine the role of this variant in disease. Therefore, it has been classified as a Variant of Uncertain Significance.

Ambry Genetics
Classification: Uncertain significance for Hereditary cancer-predisposing syndrome. Last evaluated: 2024-12-31. Review status: criteria provided, single submitter. Criteria: Ambry Variant Classification Scheme 2023. Collection method: clinical testing. Allele origin: germline.
Comment: The p.V309F variant (also known as c.925G>T), located in coding exon 9 of the PMS2 gene, results from a G to T substitution at nucleotide position 925. The valine at codon 309 is replaced by phenylalanine, an amino acid with highly similar properties. This amino acid position is well conserved in available vertebrate species. In addition, this alteration is predicted to be deleterious by in silico analysis. Based on the available evidence, the clinical significance of this variant remains unclear.

Department of Human Genetics, Hannover Medical School
Classification: Uncertain significance for Lynch syndrome 4. Last evaluated: 2024-06-07. Review status: criteria provided, single submitter. Criteria: ACMG Guidelines, 2015. Collection method: clinical testing. Allele origin: germline. Inheritance: Autosomal dominant inheritance. Affected: yes.

Quest Diagnostics Nichols Institute San Juan Capistrano
Classification: Uncertain significance. Last evaluated: 2022-10-21. Review status: criteria provided, single submitter. Criteria: Quest Diagnostics criteria. Collection method: clinical testing. Allele origin: unknown.
Comment: The frequency of this variant in the general population, 0.000004 (1/251236 chromosomes), is uninformative in assessment of its pathogenicity. The variant has not been reported in individuals with PMS2-related conditions in the published literature. Analysis of this variant using bioinformatics tools for the prediction of the effect of amino acid changes on protein structure and function yielded predictions that this variant is damaging. Based on the available information, we are unable to determine the clinical significance of this variant.

GeneDx
Classification: Uncertain significance. Last evaluated: 2019-09-30. Review status: criteria provided, single submitter. Criteria: GeneDx Variant Classification Process June 2021. Collection method: clinical testing. Allele origin: germline. Affected: yes.
Comment: Not observed at a significant frequency in large population cohorts (Lek 2016); In silico analysis, which includes protein predictors and evolutionary conservation, supports a deleterious effect; Has not been previously published as pathogenic or benign to our knowledge

Literature cited by the submitters: PubMed 32459922 (cited by Quest Diagnostics Nichols Institute San Juan Capistrano).

NM_000535.7(PMS2):c.925G>T (p.Val309Phe)

Gene: PMS2 (PMS1 homolog 2, mismatch repair system component; minus strand). Cytogenetic location: 7p22.1.
Variant type: single nucleotide variant.
Coding change: c.925G>T on transcript NM_000535.7 (MANE Select); coding-DNA position 925, G replaced by T.
Protein change: p.Val309Phe; replaces valine 309 with phenylalanine.
Molecular consequence: missense variant. On other transcripts: 5 prime UTR variant (2), non-coding transcript variant (1).
Genome position (GRCh38, 1-based): chr7:5,992,036, C>A on the plus strand (G>T on the coding strand, the complement: PMS2 is on the minus strand). VCF-style: chr7-5992036-C-A. GRCh37 (hg19) VCF-style: chr7-6031667-C-A.
Other names: c.520G>T, p.Val174Phe (NM_001322003.2, NM_001322004.2, NM_001322005.2 and 2 more transcripts); c.925G>T, p.Val309Phe (NM_001322006.2, NM_001322014.2); c.607G>T, p.Val203Phe (NM_001322007.2, NM_001322008.2); c.-9G>T (NM_001322011.2, NM_001322012.2); c.352G>T, p.Val118Phe (NM_001322013.2); c.616G>T, p.Val206Phe (NM_001322015.2); c.925G>T (NM_000535.6); short protein forms V118F, V174F, V203F, V206F, V309F.
Identifiers: ClinVar variation 1320827 (VCV001320827.14), dbSNP rs763718441, ClinGen allele CA052508.